The following is an entry in ClinVar:

ClinVar aggregate classification (germline): Uncertain significance. Review status: criteria provided, multiple submitters, no conflicts (2 of 4 stars). 5 submissions from 5 submitters: Uncertain significance (5). Last evaluated 2024-11-07.

Conditions:
Classic or attenuated familial adenomatous polyposis. Identifiers: MedGen CN372698, MONDO:0021057.
Hereditary cancer-predisposing syndrome. Also called: Neoplastic Syndromes, Hereditary; Tumor predisposition; Hereditary Cancer Syndrome; Hereditary neoplastic syndrome. Identifiers: Orphanet 140162, MedGen C0027672, MeSH D009386, MONDO:0015356.
Familial adenomatous polyposis 1 (FAP1). Also called: FAMILIAL ADENOMATOUS POLYPOSIS 1, ATTENUATED; POLYPOSIS, ADENOMATOUS INTESTINAL. Identifiers: MedGen C2713442, MONDO:0021056, OMIM 175100. Disease mechanism: loss of function.

Submissions (5):

Ambry Genetics
Classification: Uncertain significance for Hereditary cancer-predisposing syndrome. Last evaluated: 2024-11-07. Review status: criteria provided, single submitter. Criteria: Ambry Variant Classification Scheme 2023. Collection method: clinical testing. Allele origin: germline.
Comment: The c.6363_6365delTGC variant (also known as p.A2122del) is located in coding exon 15 of the APC gene, results from an in-frame TGC deletion at nucleotide positions 6363 to 6365. This results in the in-frame deletion of an alanine at codon 2122. This amino acid position is well conserved in available vertebrate species. In addition, this alteration is predicted to be neutral by in silico analysis (Choi Y et al. PLoS ONE. 2012; 7(10):e46688). Since supporting evidence is limited at this time, the clinical significance of this alteration remains unclear.

Labcorp Genetics (formerly Invitae), Labcorp
Classification: Uncertain significance for Familial adenomatous polyposis 1. Last evaluated: 2024-08-26. Review status: criteria provided, single submitter. Criteria: Invitae Variant Classification Sherloc (09022015). Collection method: clinical testing. Allele origin: germline.
Comment: This variant, c.6363_6365del, results in the deletion of 1 amino acid(s) of the APC protein (p.Ala2122del), but otherwise preserves the integrity of the reading frame. This variant is not present in population databases (gnomAD no frequency). This variant has not been reported in the literature in individuals affected with APC-related conditions. ClinVar contains an entry for this variant (Variation ID: 233117). Experimental studies and prediction algorithms are not available or were not evaluated, and the functional significance of this variant is currently unknown. In summary, the available evidence is currently insufficient to determine the role of this variant in disease. Therefore, it has been classified as a Variant of Uncertain Significance.

GeneDx
Classification: Uncertain significance. Last evaluated: 2024-05-29. Review status: criteria provided, single submitter. Criteria: GeneDx Variant Classification Process June 2021. Collection method: clinical testing. Allele origin: germline. Affected: yes.
Comment: In-frame deletion of 1 amino acid; Has not been previously published as pathogenic or benign to our knowledge; In silico analysis indicates that this variant does not alter protein structure/function; Not observed at significant frequency in large population cohorts (gnomAD)

All of Us Research Program, National Institutes of Health
Classification: Uncertain significance for Classic or attenuated familial adenomatous polyposis. Last evaluated: 2024-03-24. Review status: criteria provided, single submitter. Criteria: ACMG Guidelines, 2015. Collection method: clinical testing. Allele origin: germline. Inheritance: Autosomal dominant inheritance. Observed: 1 variant allele, 1 heterozygote.
Comment: This variant causes an in-frame deletion of 1 amino acid in exon 16 of the APC protein. To our knowledge, functional studies have not been reported for this variant. This variant has not been reported in individuals affected with APC-related disorders in the literature. This variant has not been identified in the general population by the Genome Aggregation Database (gnomAD). The available evidence is insufficient to determine the role of this variant in disease conclusively. Therefore, this variant is classified as a Variant of Uncertain Significance.

This study involves interpretation of variants in research participants for the purpose of population health screening. Participant phenotype was not available at the time of variant classification. Additional details can be found in publication PMID: 35346344, PMCID: PMC8962531

Color Diagnostics, LLC DBA Color Health
Classification: Uncertain significance for Hereditary cancer-predisposing syndrome. Last evaluated: 2024-02-14. Review status: criteria provided, single submitter. Criteria: ACMG Guidelines, 2015. Collection method: clinical testing. Allele origin: germline.
Comment: This variant causes an in-frame deletion of 1 amino acid in exon 16 of the APC protein. To our knowledge, functional studies have not been reported for this variant. This variant has not been reported in individuals affected with APC-related disorders in the literature. This variant has not been identified in the general population by the Genome Aggregation Database (gnomAD). The available evidence is insufficient to determine the role of this variant in disease conclusively. Therefore, this variant is classified as a Variant of Uncertain Significance.

NM_000038.6(APC):c.6354TGC[3] (p.Ala2122del)

Gene: APC (APC regulator of Wnt signaling pathway; plus strand). Cytogenetic location: 5q22.2.
Variant type: Microsatellite.
Coding change: c.6354TGC[3] on transcript NM_000038.6 (MANE Select); three copies in a row of the 3-base unit TGC starting at c.6354; the reference has four copies in a row; one copy, 3 bases deleted; also written c.6363_6365del.
Protein change: p.Ala2122del; deletes alanine 2122.
Molecular consequence: inframe deletion.
Genome position (GRCh38, 1-based): chr5:112,841,957-112,841,959, TGC deleted; deleting any 3 consecutive bases within chr5:112,841,946-112,841,959 gives the same sequence; the position shown is the placement nearest the transcript's 3' end. VCF-style (leftmost placement, unchanged base first): chr5-112841945-AGCT-A. GRCh37 (hg19) VCF-style: chr5-112177642-AGCT-A.
Other names: c.6363_6365del (NM_000038.5, NM_000038.6); c.6354TGC[3], p.Ala2122del (NM_001127510.3, NM_001354895.2); c.6300TGC[3], p.Ala2104del (NM_001127511.3); c.6408TGC[3], p.Ala2140del (NM_001354896.2); c.6384TGC[3], p.Ala2132del (NM_001354897.2); c.6279TGC[3], p.Ala2097del (NM_001354898.2); c.6270TGC[3], p.Ala2094del (NM_001354899.2); c.6231TGC[3], p.Ala2081del (NM_001354900.2); and 6 more; short protein forms A2104del, A2122del, A2031del, A2081del, A1962del, A2094del, A1996del, A2132del.
Identifiers: ClinVar variation 233117 (VCV000233117.22), dbSNP rs587780602, ClinGen allele CA10578429.